The following is an entry in ClinVar:

ClinVar aggregate classification (germline): Pathogenic (1 of 4 stars; one submission).

Conditions:
Nemaline myopathy 8 (NEM8). Also called: Nemaline myopathy 8, autosomal recessive. Identifiers: Orphanet 171430, MedGen C3809209, MONDO:0014138, OMIM 615348.

Submission:

Labcorp Genetics (formerly Invitae), Labcorp
Classification: Pathogenic for Nemaline myopathy 8. Last evaluated: 2023-10-03. Review status: criteria provided, single submitter. Criteria: Invitae Variant Classification Sherloc (09022015). Collection method: clinical testing. Allele origin: germline.
Comment: This sequence change creates a premature translational stop signal (p.Phe58Serfs*6) in the KLHL40 gene. It is expected to result in an absent or disrupted protein product. Loss-of-function variants in KLHL40 are known to be pathogenic (PMID: 23746549). This variant is not present in population databases (gnomAD no frequency). This variant has not been reported in the literature in individuals affected with KLHL40-related conditions. ClinVar contains an entry for this variant (Variation ID: 1454686). For these reasons, this variant has been classified as Pathogenic.

Literature cited by the submitters: PubMed 23746549.

NM_152393.4(KLHL40):c.173del (p.Phe58fs)

Gene: KLHL40 (kelch like family member 40; plus strand). Cytogenetic location: 3p22.1.
Variant type: Deletion.
Coding change: c.173del on transcript NM_152393.4 (MANE Select); coding-DNA position 173, one base deleted (T; older notation c.173delT).
Protein change: p.Phe58fs; shifts the reading frame from phenylalanine 58.
Molecular consequence: frameshift variant.
Genome position (GRCh38, 1-based): chr3:42,685,791, T deleted; the last of 2 consecutive T bases (chr3:42,685,790-42,685,791); deleting either gives the same sequence. VCF-style (leftmost placement, unchanged base first): chr3-42685789-CT-C. GRCh37 (hg19) VCF-style: chr3-42727281-CT-C.
Other names: short protein forms F58fs.
Identifiers: ClinVar variation 1454686 (VCV001454686.6), dbSNP rs1697260724, ClinGen allele CA1047268886.